The following is an entry in ClinVar:

ClinVar aggregate classification (germline): Likely benign. Review status: criteria provided, multiple submitters, no conflicts (2 of 4 stars). 2 submissions from 2 submitters: Likely benign (2). Last evaluated 2025-11-11.

Conditions:
RAX2-related disorder. Also called: RAX2-related condition; RAX2-related disorders.

Submissions (2):

PreventionGenetics, part of Exact Sciences
Classification: Likely benign for RAX2-related condition. Last evaluated: 2025-11-11. Review status: criteria provided, single submitter. Criteria: ACMG Guidelines, 2015. Collection method: clinical testing. Allele origin: germline.
Comment: This variant is classified as likely benign based on ACMG/AMP sequence variant interpretation guidelines (Richards et al. 2015 PMID: 25741868, with internal and published modifications).

Blueprint Genetics
Classification: Likely benign. Last evaluated: 2024-09-25. Review status: criteria provided, single submitter. Criteria: ACMG Guidelines, 2015. Collection method: clinical testing. Allele origin: germline.

NM_001319074.4(RAX2):c.-115C>T

Gene: RAX2 (retina and anterior neural fold homeobox 2; minus strand). Cytogenetic location: 19p13.3.
Variant type: single nucleotide variant.
Coding change: c.-115C>T on transcript NM_001319074.4 (MANE Select); 115 bases upstream of the start codon, C replaced by T.
Molecular consequence: 5 prime UTR variant. On other transcripts: intron variant (1).
Genome position (GRCh38, 1-based): chr19:3,771,857, G>A on the plus strand (C>T on the coding strand, the complement: RAX2 is on the minus strand). VCF-style: chr19-3771857-G-A. GRCh37 (hg19) VCF-style: chr19-3771855-G-A.
Other names: c.-9-106C>T (NM_032753.4); c.24C>T (NM_001319074.1).
Identifiers: ClinVar variation 4939926 (VCV004939926.2).
Genomic context (GRCh38, chr19:3,771,857, plus strand): 5'-GGCTACCGGCAGGGACAGGGCAGGGGAGCCCCAGGCTTGCCTCCCGGCTCCGGGGAAATC[G>A]GTTCCCTCCACTGGGGCCGGCATGCGCTCTGCATCCCCAGGCTGTCCTCCTCGGGCTTGG-3'